The following is an entry in ClinVar:

ClinVar aggregate classification (germline): Uncertain significance (1 of 4 stars; one submission).

Submission:

Labcorp Genetics (formerly Invitae), Labcorp
Classification: Uncertain significance. Last evaluated: 2023-04-19. Review status: criteria provided, single submitter. Criteria: Invitae Variant Classification Sherloc (09022015). Collection method: clinical testing. Allele origin: germline.
Comment: This variant has not been reported in the literature in individuals affected with SLC12A2-related conditions. In summary, the available evidence is currently insufficient to determine the role of this variant in disease. Therefore, it has been classified as a Variant of Uncertain Significance. Advanced modeling of protein sequence and biophysical properties (such as structural, functional, and spatial information, amino acid conservation, physicochemical variation, residue mobility, and thermodynamic stability) performed at Invitae indicates that this missense variant is not expected to disrupt SLC12A2 protein function. This variant is not present in population databases (gnomAD no frequency). This sequence change replaces valine, which is neutral and non-polar, with leucine, which is neutral and non-polar, at codon 169 of the SLC12A2 protein (p.Val169Leu).

NM_001046.3(SLC12A2):c.505G>T (p.Val169Leu)

Gene: SLC12A2 (solute carrier family 12 member 2; plus strand). Cytogenetic location: 5q23.3.
Variant type: single nucleotide variant.
Coding change: c.505G>T on transcript NM_001046.3 (MANE Select); coding-DNA position 505, G replaced by T.
Protein change: p.Val169Leu; replaces valine 169 with leucine.
Molecular consequence: missense variant. On other transcripts: non-coding transcript variant (1).
Genome position (GRCh38, 1-based): chr5:128,084,459, G>T. VCF-style: chr5-128084459-G-T. GRCh37 (hg19) VCF-style: chr5-127420151-G-T.
Other names: c.505G>T, p.Val169Leu (NM_001256461.2); short protein forms V169L.
Identifiers: ClinVar variation 2837963 (VCV002837963.3), dbSNP rs765308269, ClinGen allele CA360736629.